The following is an entry in ClinVar:

ClinVar aggregate classification (germline): Uncertain significance. Review status: criteria provided, multiple submitters, no conflicts (2 of 4 stars). 2 submissions from 2 submitters: Uncertain significance (2). Last evaluated 2024-10-08.

Conditions:
Hereditary diffuse gastric adenocarcinoma (HDGC). Also called: DIFFUSE GASTRIC AND LOBULAR BREAST CANCER SYNDROME. Identifiers: Orphanet 26106, MedGen C1708349, MONDO:0007648, OMIM 137215.
Hereditary cancer-predisposing syndrome. Also called: Tumor predisposition; Hereditary neoplastic syndrome; Neoplastic Syndromes, Hereditary; Hereditary Cancer Syndrome. Identifiers: Orphanet 140162, MedGen C0027672, MeSH D009386, MONDO:0015356.

Submissions (2):

Ambry Genetics
Classification: Uncertain significance for Hereditary cancer-predisposing syndrome. Last evaluated: 2024-10-08. Review status: criteria provided, single submitter. Criteria: Ambry Variant Classification Scheme 2023. Collection method: clinical testing. Allele origin: germline.
Comment: The p.R545P variant (also known as c.1634G>C), located in coding exon 11 of the CDH1 gene, results from a G to C substitution at nucleotide position 1634. The arginine at codon 545 is replaced by proline, an amino acid with dissimilar properties. This amino acid position is conserved. In addition, the in silico prediction for this alteration is inconclusive. Based on the available evidence, the clinical significance of this variant remains unclear.

Labcorp Genetics (formerly Invitae), Labcorp
Classification: Uncertain significance for Hereditary diffuse gastric adenocarcinoma. Last evaluated: 2021-08-20. Review status: criteria provided, single submitter. Criteria: Invitae Variant Classification Sherloc (09022015). Collection method: clinical testing. Allele origin: germline.
Comment: This sequence change replaces arginine with proline at codon 545 of the CDH1 protein (p.Arg545Pro). The arginine residue is moderately conserved and there is a moderate physicochemical difference between arginine and proline. This variant is not present in population databases (ExAC no frequency). This variant has not been reported in the literature in individuals affected with CDH1-related conditions. Algorithms developed to predict the effect of missense changes on protein structure and function are either unavailable or do not agree on the potential impact of this missense change (SIFT: "Deleterious"; PolyPhen-2: "Possibly Damaging"; Align-GVGD: "Class C0"). In summary, the available evidence is currently insufficient to determine the role of this variant in disease. Therefore, it has been classified as a Variant of Uncertain Significance.

NM_004360.5(CDH1):c.1634G>C (p.Arg545Pro)

Gene: CDH1 (cadherin 1; plus strand). Cytogenetic location: 16q22.1.
Variant type: single nucleotide variant.
Coding change: c.1634G>C on transcript NM_004360.5 (MANE Select); coding-DNA position 1634, G replaced by C.
Protein change: p.Arg545Pro; replaces arginine 545 with proline.
Molecular consequence: missense variant. On other transcripts: intron variant (1).
Genome position (GRCh38, 1-based): chr16:68,819,348, G>C. VCF-style: chr16-68819348-G-C. GRCh37 (hg19) VCF-style: chr16-68853251-G-C.
Other names: c.1451G>C, p.Arg484Pro (NM_001317184.2); c.86G>C, p.Arg29Pro (NM_001317185.2); c.-254-2653G>C (NM_001317186.2); c.1634G>C (NM_004360.3); short protein forms R484P, R545P, R29P.
Identifiers: ClinVar variation 1376642 (VCV001376642.7), dbSNP rs587780115, ClinGen allele CA396465160.